The following is an entry in ClinVar:

NM_004415.4(DSP):c.7635T>G (p.Asp2545Glu)

Gene: DSP (desmoplakin; plus strand). Cytogenetic location: 6p24.3.
Variant type: single nucleotide variant.
Coding change: c.7635T>G on transcript NM_004415.4 (MANE Select); coding-DNA position 7635, T replaced by G.
Protein change: p.Asp2545Glu; replaces aspartic acid 2545 with glutamic acid.
Molecular consequence: missense variant.
Genome position (GRCh38, 1-based): chr6:7,584,897, T>G. VCF-style: chr6-7584897-T-G. GRCh37 (hg19) VCF-style: chr6-7585130-T-G.
Other names: c.5838T>G, p.Asp1946Glu (NM_001008844.3); c.6306T>G, p.Asp2102Glu (NM_001319034.2); short protein forms D1946E, D2102E, D2545E.
Identifiers: ClinVar variation 1019064 (VCV001019064.9), dbSNP rs1759584844, ClinGen allele CA362693446.

ClinVar aggregate classification (germline): Uncertain significance (1 of 4 stars; one submission).

Conditions:
Arrhythmogenic right ventricular dysplasia 8 (ARVD8). Also called: ARRHYTHMOGENIC RIGHT VENTRICULAR DYSPLASIA, FAMILIAL, 8; Arrhythmogenic Right Ventricular Dysplasia/Cardiomyopathy 8; ARRHYTHMOGENIC RIGHT VENTRICULAR CARDIOMYOPATHY 8. Identifiers: MedGen C1843896, MONDO:0011831, OMIM 607450.
Arrhythmogenic cardiomyopathy with wooly hair and keratoderma. Also called: Dilated cardiomyopathy with woolly hair and keratoderma; Carvajal syndrome; Arrhythmogenic cardiomyopathy with woolly hair and keratoderma; PALMOPLANTAR KERATODERMA WITH LEFT VENTRICULAR CARDIOMYOPATHY AND WOOLLY HAIR. Identifiers: Orphanet 65282, MedGen C1854063, MONDO:0011581, OMIM 605676.

Submission:

Labcorp Genetics (formerly Invitae), Labcorp
Classification: Uncertain significance for Arrhythmogenic cardiomyopathy with wooly hair and keratoderma; Arrhythmogenic right ventricular dysplasia 8. Last evaluated: 2022-11-07. Review status: criteria provided, single submitter. Criteria: Invitae Variant Classification Sherloc (09022015). Collection method: clinical testing. Allele origin: germline.
Comment: This variant has not been reported in the literature in individuals affected with DSP-related conditions. This sequence change replaces aspartic acid, which is acidic and polar, with glutamic acid, which is acidic and polar, at codon 2545 of the DSP protein (p.Asp2545Glu). This variant is not present in population databases (gnomAD no frequency). ClinVar contains an entry for this variant (Variation ID: 1019064). Algorithms developed to predict the effect of missense changes on protein structure and function output the following: SIFT: "Tolerated"; PolyPhen-2: "Benign"; Align-GVGD: "Class C0". The glutamic acid amino acid residue is found in multiple mammalian species, which suggests that this missense change does not adversely affect protein function. In summary, the available evidence is currently insufficient to determine the role of this variant in disease. Therefore, it has been classified as a Variant of Uncertain Significance.